The following is an entry in ClinVar:

NM_020533.3(MCOLN1):c.680+4C>T

Gene: MCOLN1 (mucolipin TRP cation channel 1; plus strand). Cytogenetic location: 19p13.2.
Variant type: single nucleotide variant.
Coding change: c.680+4C>T on transcript NM_020533.3 (MANE Select); 4 bases into the intron after coding-DNA position 680, C replaced by T.
Molecular consequence: intron variant.
Genome position (GRCh38, 1-based): chr19:7,527,632, C>T. VCF-style: chr19-7527632-C-T. GRCh37 (hg19) VCF-style: chr19-7592518-C-T.
Identifiers: ClinVar variation 970465 (VCV000970465.8), dbSNP rs1002423309, ClinGen allele CA9138816.
Genomic context (GRCh38, chr19:7,527,632, plus strand): 5'-TCTCACCCTCTTGGAAAGCAGCTCCAGTTACAAGAACCTCACGCTCAAATTCCACAAGTA[C>T]TGCCTGCTCACTCGAGGGGGGCCCAGGGTGGGGGAGGCAGCACACTAGGCACTCTCACCC-3'

ClinVar aggregate classification (germline): Uncertain significance. Review status: criteria provided, single submitter (1 of 4 stars). 2 submissions from 2 submitters: Uncertain significance (1). 1 of the submissions does not count toward it. Last evaluated 2025-12-19.

Conditions:
Mucolipidosis type IV (ML4). Also called: ML IV. Identifiers: Orphanet 578, MedGen C0238286, MONDO:0009653, OMIM 252650.

Allele frequency attached by ClinVar (database versions not stated): ExAC 0.00001; gnomAD 0.00003 and 0.00002; gnomAD exomes 0.00003 and 0.00001; TOPMed 0.00005.

Submissions (2):

Labcorp Genetics (formerly Invitae), Labcorp
Classification: Uncertain significance for Mucolipidosis type IV. Last evaluated: 2025-12-19. Review status: criteria provided, single submitter. Criteria: Invitae Variant Classification Sherloc (09022015). Collection method: clinical testing. Allele origin: germline.
Comment: This sequence change falls in intron 5 of the MCOLN1 gene. It does not directly change the encoded amino acid sequence of the MCOLN1 protein. It affects a nucleotide within the consensus splice site. This variant is present in population databases (no rsID available, gnomAD 0.01%). This variant has not been reported in the literature in individuals affected with MCOLN1-related conditions. ClinVar contains an entry for this variant (Variation ID: 970465). Variants that disrupt the consensus splice site are a relatively common cause of aberrant splicing (PMID: 17576681, 9536098). Algorithms developed to predict the effect of sequence changes on RNA splicing suggest that this variant is not likely to affect RNA splicing. In summary, the available evidence is currently insufficient to determine the role of this variant in disease. Therefore, it has been classified as a Variant of Uncertain Significance.

Natera, Inc.
Classification: Uncertain significance for Mucolipidosis type IV. Last evaluated: 2018-06-18. Review status: no assertion criteria provided. Collection method: clinical testing. Allele origin: germline. Not counted in ClinVar's aggregate classification.

Literature cited by the submitters: PubMed 17576681 (cited by Labcorp Genetics (formerly Invitae), Labcorp); PubMed 9536098 (cited by Labcorp Genetics (formerly Invitae), Labcorp).